The following is an entry in ClinVar:

ClinVar aggregate classification (germline): Uncertain significance. Review status: criteria provided, multiple submitters, no conflicts (2 of 4 stars). 2 submissions from 2 submitters: Uncertain significance (2). Last evaluated 2025-10-17.

gnomAD v4.1: 1 of 1,208,867 alleles (0.000083%); highest among the groups gnomAD compares: Non-Finnish European, 0.00011%; no homozygotes.

Submissions (2):

Labcorp Genetics (formerly Invitae), Labcorp
Classification: Uncertain significance. Last evaluated: 2025-10-17. Review status: criteria provided, single submitter. Criteria: Invitae Variant Classification Sherloc (09022015). Collection method: clinical testing. Allele origin: germline.
Comment: This sequence change replaces glycine, which is neutral and non-polar, with aspartic acid, which is acidic and polar, at codon 1373 of the USP9X protein (p.Gly1373Asp). This variant is present in population databases (no rsID available, gnomAD 0.001%). This variant has not been reported in the literature in individuals affected with USP9X-related conditions. An algorithm developed to predict the effect of missense changes on protein structure and function (PolyPhen-2) suggests that this variant is likely to be tolerated. In summary, the available evidence is currently insufficient to determine the role of this variant in disease. Therefore, it has been classified as a Variant of Uncertain Significance.

GeneDx
Classification: Uncertain significance. Last evaluated: 2025-07-02. Review status: criteria provided, single submitter. Criteria: GeneDx Variant Classification Process June 2021. Collection method: clinical testing. Allele origin: germline. Affected: yes.
Comment: In silico analysis suggests that this missense variant does not alter protein structure/function; Has not been previously published as pathogenic or benign to our knowledge

NM_001039591.3(USP9X):c.4118G>A (p.Gly1373Asp)

Gene: USP9X (ubiquitin specific peptidase 9 X-linked; plus strand). Cytogenetic location: Xp11.4.
Variant type: single nucleotide variant.
Coding change: c.4118G>A on transcript NM_001039591.3 (MANE Select); coding-DNA position 4118, G replaced by A.
Protein change: p.Gly1373Asp; replaces glycine 1373 with aspartic acid.
Molecular consequence: missense variant.
Genome position (GRCh38, 1-based): chrX:41,196,623, G>A. VCF-style: chrX-41196623-G-A. GRCh37 (hg19) VCF-style: chrX-41055876-G-A.
Other names: c.4118G>A, p.Gly1373Asp (NM_001039590.3); c.4133G>A, p.Gly1378Asp (NM_001410748.1, NM_001410749.1, NM_001437534.1); short protein forms G1373D, G1378D.
Identifiers: ClinVar variation 4680985 (VCV004680985.2).